The following is an entry in ClinVar:

ClinVar aggregate classification (germline): Conflicting classifications of pathogenicity. Review status: criteria provided, conflicting classifications (1 of 4 stars). 11 submissions from 11 submitters: Uncertain significance (4); Benign (1); Likely benign (4). 2 of the submissions do not count toward it. Last evaluated 2025-09-11.

Conditions:
Hereditary cancer-predisposing syndrome. Also called: Hereditary Cancer Syndrome; Hereditary neoplastic syndrome; Neoplastic Syndromes, Hereditary; Tumor predisposition. Identifiers: Orphanet 140162, MedGen C0027672, MeSH D009386, MONDO:0015356.
Hereditary breast ovarian cancer syndrome. Also called: BRCA1- and BRCA2-Associated Hereditary Breast and Ovarian Cancer; Hereditary breast and ovarian cancer syndrome; Hereditary breast and ovarian cancer syndrome (HBOC); Breast and ovarian cancer; Hereditary breast and/or ovarian cancer syndrome; Hereditary breast and ovarian cancer. Identifiers: Orphanet 145, MedGen C0677776, MeSH D061325, MONDO:0003582. Disease mechanism: loss of function.
Breast-ovarian cancer, familial, susceptibility to, 1 (BROVCA1). Also called: BRCA1 Hereditary Breast and Ovarian Cancer; OVARIAN CANCER, SUSCEPTIBILITY TO. Identifiers: Orphanet 145, MedGen C2676676, MONDO:0011450, OMIM 604370. Disease mechanism: loss of function.

Allele frequency attached by ClinVar (database versions not stated): gnomAD exomes below 0.00001; gnomAD 0.00001; TOPMed 0.00001.
gnomAD v4.1: 4 of 1,613,426 alleles (0.00025%); highest among the groups gnomAD compares: Non-Finnish European, 0.00034%; no homozygotes.

Submissions (11):

Labcorp Genetics (formerly Invitae), Labcorp
Classification: Likely benign for Hereditary breast ovarian cancer syndrome. Last evaluated: 2025-09-11. Review status: criteria provided, single submitter. Criteria: Invitae Variant Classification Sherloc (09022015). Collection method: clinical testing. Allele origin: germline.

Women's Health and Genetics/Laboratory Corporation of America, LabCorp
Classification: Likely benign. Last evaluated: 2025-08-28. Review status: criteria provided, single submitter. Criteria: LabCorp Variant Classification Summary - May 2015. Collection method: clinical testing. Allele origin: germline.
Comment: Variant summary: BRCA1 c.4031A>G (p.Asp1344Gly) results in a non-conservative amino acid change in the encoded protein sequence. The variant was absent in 251162 control chromosomes. The available data on variant occurrences in the general population are insufficient to allow any conclusion about variant significance. c.4031A>G has been reported in the literature in individuals affected with Hereditary Breast And Ovarian Cancer Syndrome (Hadjisavvas_2004, Judkins_2005, Vaca-Paniagua_2012, Loizidou_2017, Jakimovska_2018). These reports do not provide unequivocal conclusions about association of the variant with Hereditary Breast And Ovarian Cancer Syndrome. One co-occurrence with another pathogenic variant has been reported (BRCA2 c.7879A>T, p.Ile2627Phe), providing supporting evidence for a benign role (Jakimovska_2018). At least one publication reports experimental evidence evaluating an impact on protein function. These results showed no damaging effect of this variant (Lyra_2021). The following publications have been ascertained in the context of this evaluation (PMID: 15172753, 29335924, 16267036, 27882536, 33087888, 23704879, 22655046, 33087888). ClinVar contains an entry for this variant (Variation ID: 55077). Based on the evidence outlined above, the variant was classified as likely benign.

Ambry Genetics
Classification: Uncertain significance for Hereditary cancer-predisposing syndrome. Last evaluated: 2025-02-26. Review status: criteria provided, single submitter. Criteria: Ambry Variant Classification Scheme 2023. Collection method: clinical testing. Allele origin: germline.
Comment: The p.D1344G variant (also known as c.4031A>G), located in coding exon 9 of the BRCA1 gene, results from an A to G substitution at nucleotide position 4031. The aspartic acid at codon 1344 is replaced by glycine, an amino acid with similar properties. In a study of 40 Cypriot families with breast and/or ovarian cancer, this variant was detected in one family and was not seen in controls (Hadjisavvas A et al. Cancer Genet. Cytogenet. 2004 Jun; 151(2):152-6). This amino acid position is well conserved in available vertebrate species. In addition, the in silico prediction for this alteration is inconclusive. Based on the available evidence, the clinical significance of this variant remains unclear.

Mayo Clinic Laboratories, Mayo Clinic
Classification: Benign. Last evaluated: 2024-10-15. Review status: criteria provided, single submitter. Criteria: ACMG Guidelines, 2015. Collection method: clinical testing. Allele origin: germline. Observed: 1 variant allele.
Comment: BP1_strong, BP5_strong, PM2_supporting

Color Diagnostics, LLC DBA Color Health
Classification: Uncertain significance for Hereditary cancer-predisposing syndrome. Last evaluated: 2024-05-07. Review status: criteria provided, single submitter. Criteria: ACMG Guidelines, 2015. Collection method: clinical testing. Allele origin: germline.
Comment: This missense variant replaces aspartic acid with glycine at codon 1344 of the BRCA1 protein. Computational prediction suggests that this variant may not impact protein structure and function. To our knowledge, functional studies have not been reported for this variant. This variant has been reported in at least three individuals affected with breast or ovarian cancer and one unaffected individual (PMID: 15172753, 22655046, 33471991; Leiden Open Variation Database DB-ID BRCA1_005338). This variant also has been reported with a family history likelihood ratio for pathogenicity of 0.2217 (PMID: 31131967). This variant has not been identified in the general population by the Genome Aggregation Database (gnomAD). The available evidence is insufficient to determine the role of this variant in disease conclusively. Therefore, this variant is classified as a Variant of Uncertain Significance.

Quest Diagnostics Nichols Institute San Juan Capistrano
Classification: Uncertain significance. Last evaluated: 2023-08-28. Review status: criteria provided, single submitter. Criteria: Quest Diagnostics criteria. Collection method: clinical testing. Allele origin: unknown.
Comment: In the published literature, this variant has been reported in multiple individuals with hereditary breast/ovarian cancer (PMIDs: 15172753 (2004), 16267036 (2005), 22655046 (2012), 26287763 (2015), and 27882536 (2016)). It was also seen in two individuals with breast cancer as well as in a control individual in a large scale breast cancer association study (PMID: 33471991 (2021), see also LOVD). The variant has been described as likely benign in a recent multifactorial likelihood study (PMID: 31131967 (2019)), and was reported to co-occur with a pathogenic BRCA2 variant (PMID: 29335924 (2018)). This variant has not been reported in large, multi-ethnic general populations (Genome Aggregation Database). Analysis of this variant using bioinformatics tools for the prediction of the effect of amino acid changes on protein structure and function yielded predictions that this variant is benign. Based on the available information, we are unable to determine the clinical significance of this variant.

All of Us Research Program, National Institutes of Health
Classification: Uncertain significance for Breast-ovarian cancer, familial, susceptibility to, 1. Last evaluated: 2023-05-15. Review status: criteria provided, single submitter. Criteria: ACMG Guidelines, 2015. Collection method: clinical testing. Allele origin: germline. Inheritance: Autosomal dominant inheritance. Observed: 1 variant allele, 1 heterozygote.
Comment: This missense variant replaces aspartic acid with glycine at codon 1344 of the BRCA1 protein. Computational prediction suggests that this variant may not impact protein structure and function (internally defined REVEL score threshold <= 0.5, PMID: 27666373). To our knowledge, functional studies have not been reported for this variant. This variant has been reported in at least three individuals affected with breast or ovarian cancer and one unaffected individual (PMID: 15172753, 22655046, 33471991; Leiden Open Variation Database DB-ID BRCA1_005338). This variant also has been reported with a family history likelihood ratio for pathogenicity of 0.2217 (PMID: 31131967). This variant has not been identified in the general population by the Genome Aggregation Database (gnomAD). The available evidence is insufficient to determine the role of this variant in disease conclusively. Therefore, this variant is classified as a Variant of Uncertain Significance.

This study involves interpretation of variants in research participants for the purpose of population health screening. Participant phenotype was not available at the time of variant classification. Additional details can be found in publication PMID: 35346344, PMCID: PMC8962531

University of Washington Department of Laboratory Medicine, University of Washington
Classification: Likely benign for Hereditary cancer-predisposing syndrome. Last evaluated: 2023-03-23. Review status: criteria provided, single submitter. Criteria: Dines et al. (Genet Med. 2020). Collection method: curation. Allele origin: germline.
Comment: Missense variant in a coldspot region where missense variants are very unlikely to be pathogenic (PMID:31911673).

BRCA1 coldspot (exon 11 using historical exon numbering). Reclassification based on statistical prior probability

GeneDx
Classification: Likely benign. Last evaluated: 2019-04-22. Review status: criteria provided, single submitter. Criteria: GeneDx Variant Classification Process June 2021. Collection method: clinical testing. Allele origin: germline. Affected: yes.
Comment: This variant is associated with the following publications: (PMID: 15172753, 16267036, 29335924, 27882536, 22655046, 33087888)

Counsyl
Classification: Uncertain significance for Breast-ovarian cancer, familial, susceptibility to, 1. Last evaluated: 2018-01-18. Review status: no assertion criteria provided. Collection method: clinical testing. Allele origin: unknown. Not counted in ClinVar's aggregate classification.

Breast Cancer Information Core (BIC) (BRCA1)
Classification: Uncertain significance for Breast-ovarian cancer, familial 1. Review status: no assertion criteria provided. Collection method: clinical testing. Allele origin: germline. Affected: yes. Observed: 1 variant allele. Not counted in ClinVar's aggregate classification.

Literature cited by the submitters: PubMed 16267036 (cited by Women's Health and Genetics/Laboratory Corporation of America, LabCorp and Quest Diagnostics Nichols Institute San Juan Capistrano); PubMed 22655046 (cited by 6 submitters); PubMed 15172753 (cited by 6 submitters); PubMed 23704879 (cited by Women's Health and Genetics/Laboratory Corporation of America, LabCorp and Quest Diagnostics Nichols Institute San Juan Capistrano); PubMed 27882536 (cited by 3 submitters); PubMed 29335924 (cited by 3 submitters); PubMed 33087888 (cited by Women's Health and Genetics/Laboratory Corporation of America, LabCorp and Quest Diagnostics Nichols Institute San Juan Capistrano); PubMed 31131967 (cited by 4 submitters); PubMed 33471991 (cited by 3 submitters); PubMed 21523855 (cited by Quest Diagnostics Nichols Institute San Juan Capistrano and Counsyl); PubMed 26287763 (cited by Quest Diagnostics Nichols Institute San Juan Capistrano and Counsyl).

NM_007294.4(BRCA1):c.4031A>G (p.Asp1344Gly)

Genes: BRCA1 (BRCA1 DNA repair associated; minus strand), LOC126862571 (BRD4-independent group 4 enhancer GRCh37_chr17:41243136-41244335; plus strand). Cytogenetic location: 17q21.31.
Variant type: single nucleotide variant.
Coding change: c.4031A>G on transcript NM_007294.4 (MANE Select); coding-DNA position 4031, A replaced by G.
Protein change: p.Asp1344Gly; replaces aspartic acid 1344 with glycine.
Molecular consequence: missense variant. On other transcripts: intron variant (135).
Genome position (GRCh38, 1-based): chr17:43,091,500, T>C on the plus strand (A>G on the coding strand, the complement: BRCA1 is on the minus strand). VCF-style: chr17-43091500-T-C. GRCh37 (hg19) VCF-style: chr17-41243517-T-C.
Other names: p.Asp1344Gly; c.3818A>G, p.Asp1273Gly (NM_001407571.1, NM_001407853.1, NM_001407894.1 and 9 more transcripts); c.4031A>G, p.Asp1344Gly (NM_001407581.1, NM_001407582.1, NM_001407583.1 and 30 more transcripts); c.4028A>G, p.Asp1343Gly (NM_001407587.1, NM_001407590.1, NM_001407591.1 and 22 more transcripts); c.4022A>G, p.Asp1341Gly (NM_001407646.1, NM_001407647.1); c.3908A>G, p.Asp1303Gly (NM_001407648.1, NM_001407664.1, NM_001407665.1 and 19 more transcripts); c.3905A>G, p.Asp1302Gly (NM_001407649.1, NM_001407670.1, NM_001407671.1 and 11 more transcripts); c.3953A>G, p.Asp1318Gly (NM_001407653.1, NM_001407654.1, NM_001407655.1 and 4 more transcripts); and 42 more; short protein forms D1344G, D1297G, D1277G, D1296G, D1176G, D1233G, D1255G, D1256G.
Identifiers: ClinVar variation 55077 (VCV000055077.34), dbSNP rs55639854, ClinGen allele CA002571.